The following is an entry in ClinVar:

ClinVar aggregate classification (germline): Uncertain significance. Review status: criteria provided, multiple submitters, no conflicts (2 of 4 stars). 4 submissions from 4 submitters: Uncertain significance (4). Last evaluated 2024-11-05.

Conditions:
HARS1-related disorder. Also called: HARS1-related condition.
Usher syndrome type 3B. Also called: USHER SYNDROME, TYPE IIIB. Identifiers: MedGen C3281066, MONDO:0013788, OMIM 614504.

Allele frequency attached by ClinVar (database versions not stated): gnomAD exomes below 0.00001; TOPMed below 0.00001.
gnomAD v4.1: 1 of 1,612,414 alleles (0.000062%); highest among the groups gnomAD compares: Admixed American, 0.0017%; no homozygotes.

Submissions (4):

PreventionGenetics, part of Exact Sciences
Classification: Uncertain significance for HARS1-related condition. Last evaluated: 2024-11-05. Review status: criteria provided, single submitter. Criteria: ACMG Guidelines, 2015. Collection method: clinical testing. Allele origin: germline.
Comment: The HARS1 c.581T>C variant is predicted to result in the amino acid substitution p.Ile194Thr. To our knowledge, this variant has not been reported in the literature or in a large population database (gnomAD), indicating this variant is rare. At this time, the clinical significance of this variant is uncertain due to the absence of conclusive functional and genetic evidence.

GeneDx
Classification: Uncertain significance. Last evaluated: 2024-04-09. Review status: criteria provided, single submitter. Criteria: GeneDx Variant Classification Process June 2021. Collection method: clinical testing. Allele origin: germline. Affected: yes.
Comment: Not observed at significant frequency in large population cohorts (gnomAD); In silico analysis supports that this missense variant has a deleterious effect on protein structure/function; Has not been previously published as pathogenic or benign to our knowledge

Ambry Genetics
Classification: Uncertain significance. Last evaluated: 2024-03-07. Review status: criteria provided, single submitter. Criteria: Ambry Variant Classification Scheme 2023. Collection method: clinical testing. Allele origin: germline.

Labcorp Genetics (formerly Invitae), Labcorp
Classification: Uncertain significance for Usher syndrome type 3B. Last evaluated: 2024-02-05. Review status: criteria provided, single submitter. Criteria: Invitae Variant Classification Sherloc (09022015). Collection method: clinical testing. Allele origin: germline.
Comment: This sequence change replaces isoleucine, which is neutral and non-polar, with threonine, which is neutral and polar, at codon 194 of the HARS protein (p.Ile194Thr). This variant is not present in population databases (gnomAD no frequency). This variant has not been reported in the literature in individuals affected with HARS-related conditions. ClinVar contains an entry for this variant (Variation ID: 1219877). Advanced modeling of protein sequence and biophysical properties (such as structural, functional, and spatial information, amino acid conservation, physicochemical variation, residue mobility, and thermodynamic stability) performed at Invitae indicates that this missense variant is not expected to disrupt HARS protein function with a negative predictive value of 80%. In summary, the available evidence is currently insufficient to determine the role of this variant in disease. Therefore, it has been classified as a Variant of Uncertain Significance.

NM_002109.6(HARS1):c.581T>C (p.Ile194Thr)

Gene: HARS1 (histidyl-tRNA synthetase 1; minus strand). Cytogenetic location: 5q31.3.
Variant type: single nucleotide variant.
Coding change: c.581T>C on transcript NM_002109.6 (MANE Select); coding-DNA position 581, T replaced by C.
Protein change: p.Ile194Thr; replaces isoleucine 194 with threonine.
Molecular consequence: missense variant.
Genome position (GRCh38, 1-based): chr5:140,677,957, A>G on the plus strand (T>C on the coding strand, the complement: HARS1 is on the minus strand). VCF-style: chr5-140677957-A-G. GRCh37 (hg19) VCF-style: chr5-140057542-A-G.
Other names: c.461T>C, p.Ile154Thr (NM_001258040.3); c.521T>C, p.Ile174Thr (NM_001258041.3); c.401T>C, p.Ile134Thr (NM_001258042.3); c.359T>C, p.Ile120Thr (NM_001289092.2); c.239T>C, p.Ile80Thr (NM_001289093.2); c.494T>C, p.Ile165Thr (NM_001289094.2); c.581T>C (NM_002109.3); short protein forms I120T, I134T, I154T, I165T, I174T, I194T, I80T.
Identifiers: ClinVar variation 1219877 (VCV001219877.14), dbSNP rs1758488093, ClinGen allele CA361255717.